The following is an entry in ClinVar:

NM_017534.6(MYH2):c.2698G>A (p.Glu900Lys)

Genes: MYHAS (myosin heavy chain gene cluster antisense RNA; plus strand), MYH2 (myosin heavy chain 2; minus strand). Cytogenetic location: 17p13.1.
Variant type: single nucleotide variant.
Coding change: c.2698G>A on transcript NM_017534.6 (MANE Select); coding-DNA position 2698, G replaced by A.
Protein change: p.Glu900Lys; replaces glutamic acid 900 with lysine.
Molecular consequence: missense variant.
Genome position (GRCh38, 1-based): chr17:10,530,074, C>T on the plus strand (G>A on the coding strand, the complement: MYH2 is on the minus strand). VCF-style: chr17-10530074-C-T. GRCh37 (hg19) VCF-style: chr17-10433391-C-T.
Other names: c.2698G>A, p.Glu900Lys (NM_001100112.2); short protein forms E900K.
Identifiers: ClinVar variation 2973639 (VCV002973639.3), dbSNP rs890055941, ClinGen allele CA287739306.

ClinVar aggregate classification (germline): Uncertain significance (1 of 4 stars; one submission).

Conditions:
Myopathy, proximal, and ophthalmoplegia (CMYO6). Also called: INCLUSION BODY MYOPATHY 3, AUTOSOMAL DOMINANT; CONGENITAL MYOPATHY 6 WITH OPHTHALMOPLEGIA; MYOPATHY WITH CONGENITAL JOINT CONTRACTURES, OPHTHALMOPLEGIA, AND RIMMED VACUOLES. Identifiers: Orphanet 363677, Orphanet 79091, MedGen C1854106, MONDO:0011577, OMIM 605637.

Allele frequency attached by ClinVar (database versions not stated): gnomAD exomes below 0.00001; gnomAD 0.00001; TOPMed 0.00001.
gnomAD v4.1: 8 of 1,614,086 alleles (0.0005%); highest among the groups gnomAD compares: Non-Finnish European, 0.00059%; no homozygotes.

Submission:

Labcorp Genetics (formerly Invitae), Labcorp
Classification: Uncertain significance for Myopathy, proximal, and ophthalmoplegia. Last evaluated: 2025-07-14. Review status: criteria provided, single submitter. Criteria: Invitae Variant Classification Sherloc (09022015). Collection method: clinical testing. Allele origin: germline.
Comment: This sequence change replaces glutamic acid, which is acidic and polar, with lysine, which is basic and polar, at codon 900 of the MYH2 protein (p.Glu900Lys). This variant is not present in population databases (gnomAD no frequency). This variant has not been reported in the literature in individuals affected with MYH2-related conditions. ClinVar contains an entry for this variant (Variation ID: 2973639). An algorithm developed to predict the effect of missense changes on protein structure and function (PolyPhen-2) suggests that this variant is likely to be disruptive. In summary, the available evidence is currently insufficient to determine the role of this variant in disease. Therefore, it has been classified as a Variant of Uncertain Significance.